The following is an entry in ClinVar:

ClinVar aggregate classification (germline): Uncertain significance (1 of 4 stars; one submission).

Allele frequency attached by ClinVar (database versions not stated): gnomAD exomes below 0.00001; ExAC 0.00001.
gnomAD v4.1: 1 of 1,614,186 alleles (0.000062%); highest among the groups gnomAD compares: East Asian, 0.0022%; no homozygotes.

Submission:

Labcorp Genetics (formerly Invitae), Labcorp
Classification: Uncertain significance. Last evaluated: 2025-11-05. Review status: criteria provided, single submitter. Criteria: Invitae Variant Classification Sherloc (09022015). Collection method: clinical testing. Allele origin: germline.
Comment: This sequence change replaces valine, which is neutral and non-polar, with alanine, which is neutral and non-polar, at codon 920 of the ADAMTS18 protein (p.Val920Ala). This variant is not present in population databases (gnomAD no frequency). This variant has not been reported in the literature in individuals affected with ADAMTS18-related conditions. ClinVar contains an entry for this variant (Variation ID: 1964531). An algorithm developed to predict the effect of missense changes on protein structure and function outputs the following: PolyPhen-2: "Benign". The alanine amino acid residue is found in multiple mammalian species, which suggests that this missense change does not adversely affect protein function. In summary, the available evidence is currently insufficient to determine the role of this variant in disease. Therefore, it has been classified as a Variant of Uncertain Significance.

NM_199355.4(ADAMTS18):c.2759T>C (p.Val920Ala)

Gene: ADAMTS18 (ADAM metallopeptidase with thrombospondin type 1 motif 18; minus strand). Cytogenetic location: 16q23.1.
Variant type: single nucleotide variant.
Coding change: c.2759T>C on transcript NM_199355.4 (MANE Select); coding-DNA position 2759, T replaced by C.
Protein change: p.Val920Ala; replaces valine 920 with alanine.
Molecular consequence: missense variant.
Genome position (GRCh38, 1-based): chr16:77,297,331, A>G on the plus strand (T>C on the coding strand, the complement: ADAMTS18 is on the minus strand). VCF-style: chr16-77297331-A-G. GRCh37 (hg19) VCF-style: chr16-77331228-A-G.
Other names: c.2243T>C, p.Val748Ala (NM_001326358.2); short protein forms V748A, V920A.
Identifiers: ClinVar variation 1964531 (VCV001964531.5), dbSNP rs746654223, ClinGen allele CA8180757.